The following is an entry in ClinVar:

ClinVar aggregate classification (germline): Conflicting classifications of pathogenicity. Review status: criteria provided, conflicting classifications (1 of 4 stars). 5 submissions from 5 submitters: Uncertain significance (1); Benign (1); Likely benign (3). Last evaluated 2026-01-15.

Conditions:
Hypoparathyroidism-retardation-dysmorphism syndrome (HRDS). Also called: SANJAD-SAKATI SYNDROME. Identifiers: Orphanet 2323, MedGen C1855840, MONDO:0009426, OMIM 241410.

Allele frequency attached by ClinVar (database versions not stated): gnomAD 0.00112 and 0.00120; TOPMed 0.00122; ESP Exome Variant Server 0.00123; gnomAD exomes 0.00041 and 0.00055; 1000 Genomes Project 0.00060; ExAC 0.00069; 1000 Genomes Project 30x 0.00078.
gnomAD v4.1: 761 of 1,613,268 alleles (0.047%); highest among the groups gnomAD compares: African/African-American, 0.31%; no homozygotes.

Submissions (5):

Labcorp Genetics (formerly Invitae), Labcorp
Classification: Benign. Last evaluated: 2026-01-15. Review status: criteria provided, single submitter. Criteria: Invitae Variant Classification Sherloc (09022015). Collection method: clinical testing. Allele origin: germline.

CeGaT Center for Human Genetics Tuebingen
Classification: Likely benign. Last evaluated: 2025-08-01. Review status: criteria provided, single submitter. Criteria: CeGaT Center For Human Genetics Tuebingen Variant Classification Criteria Version 2. Collection method: clinical testing. Allele origin: germline. Affected: yes. Observed: 2 variant alleles.
Comment: TBCE: BP4, BP7

Blueprint Genetics
Classification: Likely benign. Last evaluated: 2024-10-18. Review status: criteria provided, single submitter. Criteria: ACMG Guidelines, 2015. Collection method: clinical testing. Allele origin: germline.

Illumina Laboratory Services, Illumina
Classification: Likely benign for Hypoparathyroidism-retardation-dysmorphism syndrome. Last evaluated: 2017-04-27. Review status: criteria provided, single submitter. Criteria: ICSL Variant Classification Criteria 13 December 2019. Collection method: clinical testing. Allele origin: germline.
Comment: This variant was observed as part of a predisposition screen in an ostensibly healthy population. A literature search was performed for the gene, cDNA change, and amino acid change (where applicable). No publications were found based on this search. Allele frequency data from public databases allowed determination this variant is unlikely to cause disease. Therefore, this variant is classified as likely benign.

Eurofins Ntd Llc (ga)
Classification: Uncertain significance. Last evaluated: 2016-09-29. Review status: criteria provided, single submitter. Criteria: EGL Classification Definitions 2015. Collection method: clinical testing. Allele origin: germline. Observed: 1 variant allele, 1 heterozygote.

NM_003193.5(TBCE):c.585C>T (p.Ser195=)

Gene: TBCE (tubulin folding cofactor E; plus strand). Cytogenetic location: 1q42.3.
Variant type: single nucleotide variant.
Coding change: c.585C>T on transcript NM_003193.5 (MANE Select); coding-DNA position 585, C replaced by T.
Protein change: p.Ser195=; no amino-acid change (serine 195 retained).
Molecular consequence: synonymous variant.
Genome position (GRCh38, 1-based): chr1:235,430,729, C>T. VCF-style: chr1-235430729-C-T. GRCh37 (hg19) VCF-style: chr1-235594044-C-T.
Other names: c.585C>T, p.Ser195= (NM_001079515.3, NM_001287801.2); c.246C>T, p.Ser82= (NM_001287802.2).
Identifiers: ClinVar variation 497269 (VCV000497269.43), dbSNP rs139440109, ClinGen allele CA1464090.